The following is an entry in ClinVar:

NM_023936.2(MRPS34):c.232C>T (p.Arg78Cys)

Genes: EME2 (essential meiotic structure-specific endonuclease subunit 2; plus strand), MRPS34 (mitochondrial ribosomal protein S34; minus strand), LOC130058183 (ATAC-STARR-seq lymphoblastoid silent region 7002; plus strand). Cytogenetic location: 16p13.3.
Variant type: single nucleotide variant.
Coding change: c.232C>T on transcript NM_023936.2 (MANE Select); coding-DNA position 232, C replaced by T.
Protein change: p.Arg78Cys; replaces arginine 78 with cysteine.
Molecular consequence: missense variant. On other transcripts: 5 prime UTR variant (1).
Genome position (GRCh38, 1-based): chr16:1,772,888, G>A on the plus strand (C>T on the coding strand, the complement: MRPS34 is on the minus strand). VCF-style: chr16-1772888-G-A. GRCh37 (hg19) VCF-style: chr16-1822889-G-A.
Other names: c.-340G>A (NM_001257370.2); c.232C>T, p.Arg78Cys (NM_001300900.2); short protein forms R78C.
Identifiers: ClinVar variation 2121424 (VCV002121424.4), dbSNP rs1410732345, ClinGen allele CA394244073.
Genomic context (GRCh38, chr16:1,772,888, plus strand): 5'-TGAGGCGCCAGTAGCACGGCTCGTCGTGCTGCCACAGCCAGGACTTGCGCGTGACCAGGC[G>A]GCCCAGGCCGAAGAGCGGGAGGCGGCCGAGCAGCTGCAAGAGGCGGCTCTCGCGGCGCAC-3'
Protein context (NP_076425.1, residues 68-88): LGRLPLFGLG[Arg78Cys]LVTRKSWLWQ

ClinVar aggregate classification (germline): Uncertain significance (1 of 4 stars; one submission).

Allele frequency attached by ClinVar (database versions not stated): gnomAD exomes below 0.00001; TOPMed 0.00001.
gnomAD v4.1: 1 of 1,450,102 alleles (0.000069%); highest among the groups gnomAD compares: Non-Finnish European, 0.00009%; no homozygotes.

Submission:

Labcorp Genetics (formerly Invitae), Labcorp
Classification: Uncertain significance. Last evaluated: 2025-08-04. Review status: criteria provided, single submitter. Criteria: Invitae Variant Classification Sherloc (09022015). Collection method: clinical testing. Allele origin: germline.
Comment: This sequence change replaces arginine, which is basic and polar, with cysteine, which is neutral and slightly polar, at codon 78 of the MRPS34 protein (p.Arg78Cys). This variant is not present in population databases (gnomAD no frequency). This variant has not been reported in the literature in individuals affected with MRPS34-related conditions. ClinVar contains an entry for this variant (Variation ID: 2121424). An algorithm developed to predict the effect of missense changes on protein structure and function (PolyPhen-2) suggests that this variant is likely to be disruptive. In summary, the available evidence is currently insufficient to determine the role of this variant in disease. Therefore, it has been classified as a Variant of Uncertain Significance.